The following is an entry in ClinVar:

ClinVar aggregate classification (germline): Likely benign. Review status: criteria provided, multiple submitters, no conflicts (2 of 4 stars). 2 submissions from 2 submitters: Likely benign (2). Last evaluated 2022-04-29.

Conditions:
Methylcobalamin deficiency type cblE (HMAE). Also called: HOMOCYSTINURIA-MEGALOBLASTIC ANEMIA, cblE COMPLEMENTATION TYPE; HOMOCYSTINURIA-MEGALOBLASTIC ANEMIA, cblE TYPE; VITAMIN B12-RESPONSIVE HOMOCYSTINURIA, cblE TYPE. Identifiers: Orphanet 2169, Orphanet 622, MedGen C1856057, MONDO:0009354, OMIM 236270.

Allele frequency attached by ClinVar (database versions not stated): TOPMed below 0.00001; ExAC 0.00001; gnomAD 0.00001.

Submissions (2):

Labcorp Genetics (formerly Invitae), Labcorp
Classification: Likely benign for Methylcobalamin deficiency type cblE. Last evaluated: 2022-04-29. Review status: criteria provided, single submitter. Criteria: Invitae Variant Classification Sherloc (09022015). Collection method: clinical testing. Allele origin: germline.

GeneDx
Classification: Likely benign. Last evaluated: 2017-08-31. Review status: criteria provided, single submitter. Criteria: GeneDx Variant Classification (06012015). Collection method: clinical testing. Allele origin: germline. Affected: yes.
Comment: This variant is considered likely benign or benign based on one or more of the following criteria: it is a conservative change, it occurs at a poorly conserved position in the protein, it is predicted to be benign by multiple in silico algorithms, and/or has population frequency not consistent with disease.

NM_002454.3(MTRR):c.13C>T (p.Leu5=)

Gene: MTRR (5-methyltetrahydrofolate-homocysteine methyltransferase reductase; plus strand). Cytogenetic location: 5p15.31.
Variant type: single nucleotide variant.
Coding change: c.13C>T on transcript NM_002454.3 (MANE Select); coding-DNA position 13, C replaced by T.
Protein change: p.Leu5=; no amino-acid change (leucine 5 retained).
Molecular consequence: synonymous variant. On other transcripts: non-coding transcript variant (14).
Genome position (GRCh38, 1-based): chr5:7,870,807, C>T. VCF-style: chr5-7870807-C-T. GRCh37 (hg19) VCF-style: chr5-7870920-C-T.
Other names: c.13C>T, p.Leu5= (NM_001364440.2, NM_001364441.2, NM_001364442.2 and 1 more transcripts).
Identifiers: ClinVar variation 511486 (VCV000511486.9), dbSNP rs763313419, ClinGen allele CA3195455.